The following is an entry in ClinVar:

ClinVar aggregate classification (germline): Likely benign (1 of 4 stars; one submission).

Conditions:
NICE approved PARP inhibitor treatment.

Submission:

Genomics and Molecular Medicine Service, East Genomic Laboratory Hub, NHS Genomic Medicine Service
Classification: Likely benign for NICE approved PARP inhibitor treatment. Last evaluated: 2024-05-23. Review status: criteria provided, single submitter. Criteria: ACGS Best Practice Guidelines for Variant Classification in Rare Disease 2020. Collection method: clinical testing. Allele origin: germline. Affected: yes.
Comment: BP1,BP4

NM_000059.4(BRCA2):c.10031T>A (p.Leu3344His)

Gene: BRCA2 (BRCA2 DNA repair associated; plus strand). Cytogenetic location: 13q13.1.
Variant type: single nucleotide variant.
Coding change: c.10031T>A on transcript NM_000059.4 (MANE Select); coding-DNA position 10031, T replaced by A.
Protein change: p.Leu3344His; replaces leucine 3344 with histidine.
Molecular consequence: missense variant. On other transcripts: non-coding transcript variant (1).
Genome position (GRCh38, 1-based): chr13:32,398,544, T>A. VCF-style: chr13-32398544-T-A. GRCh37 (hg19) VCF-style: chr13-32972681-T-A.
Other names: c.9935T>A, p.Leu3312His (NM_001406719.1); c.9980T>A, p.Leu3327His (NM_001406720.1); c.5099T>A, p.Leu1700His (NM_001406721.1); c.3614T>A, p.Leu1205His (NM_001406722.1); short protein forms L1205H, L1700H, L3312H, L3327H, L3344H.
Identifiers: ClinVar variation 3248649 (VCV003248649.1), dbSNP rs876660701.
Genomic context (GRCh38, chr13:32,398,544, plus strand): 5'-CATTTAAAAAATTCAATGAAATTTCTCTTTTGGAAAGTAATTCAATAGCTGACGAAGAAC[T>A]TGCATTGATAAATACCCAAGCTCTTTTGTCTGGTTCAACAGGAGAAAAACAATTTATATC-3'
Protein context (NP_000050.3, residues 3334-3354): LESNSIADEE[Leu3344His]ALINTQALLS